The following is an entry in ClinVar:

NM_032119.4(ADGRV1):c.13811T>C (p.Val4604Ala)

Gene: ADGRV1 (adhesion G protein-coupled receptor V1; plus strand). Cytogenetic location: 5q14.3.
Variant type: single nucleotide variant.
Coding change: c.13811T>C on transcript NM_032119.4 (MANE Select); coding-DNA position 13811, T replaced by C.
Protein change: p.Val4604Ala; replaces valine 4604 with alanine.
Molecular consequence: missense variant. On other transcripts: non-coding transcript variant (1).
Genome position (GRCh38, 1-based): chr5:90,788,228, T>C. VCF-style: chr5-90788228-T-C. GRCh37 (hg19) VCF-style: chr5-90084045-T-C.
Other names: short protein forms V4604A.
Identifiers: ClinVar variation 1717137 (VCV001717137.5), dbSNP rs772734258, ClinGen allele CA3341618.

ClinVar aggregate classification (germline): Uncertain significance (1 of 4 stars; one submission).

Allele frequency attached by ClinVar (database versions not stated): TOPMed below 0.00001; ExAC 0.00001; gnomAD 0.00001.
gnomAD v4.1: 1 of 1,613,284 alleles (0.000062%); highest among the groups gnomAD compares: African/African-American, 0.0013%; no homozygotes.

Submission:

Labcorp Genetics (formerly Invitae), Labcorp
Classification: Uncertain significance. Last evaluated: 2022-08-20. Review status: criteria provided, single submitter. Criteria: Invitae Variant Classification Sherloc (09022015). Collection method: clinical testing. Allele origin: germline.
Comment: In summary, the available evidence is currently insufficient to determine the role of this variant in disease. Therefore, it has been classified as a Variant of Uncertain Significance. Algorithms developed to predict the effect of missense changes on protein structure and function output the following: SIFT: "Tolerated"; PolyPhen-2: "Benign"; Align-GVGD: "Class C0". The alanine amino acid residue is found in multiple mammalian species, which suggests that this missense change does not adversely affect protein function. This variant has not been reported in the literature in individuals affected with ADGRV1-related conditions. This variant is present in population databases (rs772734258, gnomAD 0.007%). This sequence change replaces valine, which is neutral and non-polar, with alanine, which is neutral and non-polar, at codon 4604 of the ADGRV1 protein (p.Val4604Ala).